The following continues an entry in ClinVar:

NM_020975.6(RET):c.2753T>C (p.Met918Thr)

Gene: RET. ClinVar aggregate classification (germline): Pathogenic/Likely pathogenic. Pathogenic (37); Likely pathogenic (2). ClinVar aggregate classification (somatic clinical impact): Tier I - Strong.

Submissions 9 to 24 of 49:

Molecular Diagnostics Laboratory, Catalan Institute of Oncology
Classification: Pathogenic for Hereditary cancer-predisposing syndrome. Last evaluated: 2025-03-10. Review status: criteria provided, single submitter. Criteria: ACMG Guidelines, 2015. Collection method: clinical testing. Allele origin: germline.
Comment: PM6_VeryStrong, PS4, PP3_Moderate, PP1, PM2_Supporting, PS3_Supporting c.2753T>C, located in exon 16 of the RET gene, is predicted to result in the substitution of mehionine by threonine at codon 918, p.(Met918Thr). This variant is not present in the gnomAD v2.1.1 database (non-cancer data set)(PM2_Supporting). The SpliceAI algorithm predicts no significant impact on splicing and the REVEL meta-predictor score for this variant (0.91) suggests a deleterious effect on protein function according to Pejaver 2022 thresholds (PMID: 36413997)(PP3_Moderate). This variant has been reported in the ClinVar database (1x likely pathogenic, 36x pathogenic) and in LOVD (5x pathogenic). Functional assays have demonstrated that RET p.(Met918Thr) induces autophosphorylation of tyrosine residues and transformation activity in fibroblasts (PMID:16715139, PMID: 9242375, PMID:10445857)(PS3_Supporting). It has been reported as de novo in multiple patients with no family history (PMID: 15517484, PMID: 26084817, PMID: 21765987)(PM6_Very Strong). This variant has been reported in association with multiple endocrine neoplasia type 2 (MEN2B), 90% of all MEN 2B mutations occur in codon 918, and familial medullary thyroid cancer patients and nit segregates in several families fulfilling RET phenotype (PMID: 15517484, PMID: 26084817, PMID 22992277, PMID: 34881033)(PS4, PP1). Based on currently available information, c.2753T>C is classified as a pathogenic variant to ACMG guidelines and the American Thyroid Association guidelines for the management of medullary thyroid carcinoma (PMID: 25810047).

Molecular Pathology, Peter Maccallum Cancer Centre
Classification: Pathogenic for Multiple endocrine neoplasia, type 2. Last evaluated: 2025-03-07. Review status: criteria provided, single submitter. Criteria: ACMG Guidelines, 2015. Collection method: clinical testing. Allele origin: germline. Inheritance: Autosomal dominant inheritance.

Center for Genomic Medicine, Rigshospitalet, Copenhagen University Hospital
Classification: Pathogenic. Last evaluated: 2025-03-04. Review status: criteria provided, single submitter. Criteria: ACMG Guidelines, 2015. Collection method: clinical testing. Allele origin: germline.

Laboratory of Genetics, Children's Clinical University Hospital Latvia
Classification: Pathogenic. Last evaluated: 2025-02-16. Review status: criteria provided, single submitter. Criteria: ACMG Guidelines, 2015. Collection method: clinical testing. Allele origin: germline. Affected: yes.

3billion
Classification: Pathogenic for Multiple endocrine neoplasia type 2B. Last evaluated: 2024-12-18. Review status: criteria provided, single submitter. Criteria: ACMG Guidelines, 2015. Collection method: clinical testing. Allele origin: germline. Affected: yes.
Comment: The variant is not observed in the gnomAD v4.1.0 dataset. Predicted Consequence/Location: Missense variant Functional studies provide strong evidence of the variant having a damaging effect on the gene or gene product (PMID: 21810974, 9242375). In silico tool predictions suggest damaging effect of the variant on gene or gene product [REVEL: 0.91 (>=0.6, sensitivity 0.68 and specificity 0.92); 3Cnet: 0.98 (>=0.6, sensitivity 0.72 and precision 0.9)]. The same nucleotide change resulting in the same amino acid change has been previously reported as pathogenic/likely pathogenic with strong evidence (ClinVar ID: VCV000013919 /PMID: 7906417). A different missense change at the same codon (p.Met918Val) has been reported as pathogenic/likely pathogenic with strong evidence (ClinVar ID: VCV000038614 /PMID: 21810974). Therefore, this variant is classified as Pathogenic according to the recommendation of ACMG/AMP guideline.

ARUP Laboratories, Molecular Genetics and Genomics, ARUP Laboratories
Classification: Pathogenic. Last evaluated: 2024-12-07. Review status: criteria provided, single submitter. Criteria: ARUP Molecular Germline Variant Investigation Process 2024. Collection method: clinical testing. Allele origin: germline.
Comment: The RET c.2753T>C; p.Met918Thr (rs74799832), variant has been reported in multiple patients diagnosed with multiple endocrine neoplasia type 2b (Carlson 1994, Jindrichova 2004, Zendran 2020), co-segregated with affected family members, or occurred as a de novo alteration (Carlson 1994) and has been reported to confer high risk (Wells 2015). Functional characterization of the variant protein indicates an increase in basal auto-phosphorylation that is further enhanced upon growth factor stimulation, with altered target specificity compared to wildtype protein (Santoro 1995, Bongarzone 1998). This variant is also reported in ClinVar (Variation ID: 13919). This variant is only observed on one allele in the Genome Aggregation Database, indicating it is not a common polymorphism. The methionine at codon 918 is highly conserved, and computational analyses predict that this variant is deleterious (REVEL: 0.91). Based on the above information, the variant is classified as pathogenic. References: Bongarzone I et al. Full activation of MEN2B mutant RET by an additional MEN2A mutation or by ligand GDNF stimulation. Oncogene. 1998; 16(18):2295-301. PMID: 9620546. Carlson K et al. Single missense mutation in the tyrosine kinase catalytic domain of the RET protooncogene is associated with multiple endocrine neoplasia type 2B. Proc Natl Acad Sci U S A. 1994; 91(4):1579-83. PMID: 7906417 Jindrichova S et al. Screening of six risk exons of the RET proto-oncogene in families with medullary thyroid carcinoma in the Czech Republic. J Endocrinol. 2004; 183(2):257-65. PMID: 15531714. Santoro M et al. Activation of RET as a dominant transforming gene by germline mutations of MEN2A and MEN2B. Science. 1995; 267(5196):381-3. PMID: 7824936. Wells SA Jr et al. (2015) Revised American Thyroid Association guidelines for the management of medullary thyroid carcinoma. Thyroid. 2015; 25(6):567-610. PMID: 25810047. Zendran I et al. MEN2B syndrome - paediatric case report. Pediatr Endocrinol Diabetes Metab. 2020;26(4):211-215. English. PMID: 33191720.

Blueprint Genetics
Classification: Pathogenic for RET-related disorders. Last evaluated: 2024-09-05. Review status: criteria provided, single submitter. Criteria: ACMG Guidelines, 2015. Collection method: clinical testing. Allele origin: germline. Affected: yes. Observed: 5 variant alleles.

Institute for Genomic Medicine (IGM) Clinical Laboratory, Nationwide Children's Hospital
Classification: Pathogenic for Hereditary cancer-predisposing syndrome. Last evaluated: 2024-08-08. Review status: criteria provided, single submitter. Criteria: ACMG Guidelines, 2015. Collection method: clinical testing. Allele origin: germline.
Comment: Well-established functional studies have demonstrated this variant to have a damaging effect on protein function or splicing (ACMG/AMP: PS3; PMIDs:8570194, 9242375, 16715139). This variant has been reported at an elevated frequency in affected individuals/in multiple affected individuals in the literature (ACMG/AMP: PS4; PMIDs:7906417, 7906866, 7911697, 8918855). This variant is located in a mutational hot spot and/or critical and well-established functional domain (ACMG/AMP: PM1; PMIDs:25810047, 31510104). This variant is absent from or present at an exceedingly low frequency in gnomAD, a large-scale control population database (ACMG/AMP: PM2). This variant has been reported to occur de novo in an affected individual in the literature without parental identity confirmed (ACMG/AMP: PM6; PMIDs:7906417, 7906866, 7911697). This variant occurs in a gene with a low rate of benign missense variation, in which missense alterations are a common mechanism of disease (ACMG/AMP: PP2; PMID:19177457). This variant is predicted to alter protein function or structure, or disrupt splicing by multiple in silico tools (ACMG/AMP: PP3).

Genomic Medicine Center of Excellence, King Faisal Specialist Hospital and Research Centre
Classification: Pathogenic for Hirschsprung disease, susceptibility to, 1. Last evaluated: 2024-03-29. Review status: criteria provided, single submitter. Criteria: ACMG Guidelines, 2015. Collection method: clinical testing. Allele origin: germline.

Department of Pathology and Laboratory Medicine, Sinai Health System
Classification: Pathogenic for Hirschsprung disease, susceptibility to, 1; Familial medullary thyroid carcinoma; Multiple endocrine neoplasia type 2B; Pheochromocytoma; Multiple endocrine neoplasia type 2A. Last evaluated: 2023-12-08. Review status: criteria provided, single submitter. Criteria: ACMG Guidelines, 2015. Collection method: clinical testing. Allele origin: germline.

Mayo Clinic Laboratories, Mayo Clinic
Classification: Pathogenic. Last evaluated: 2023-12-01. Review status: criteria provided, single submitter. Criteria: ACMG Guidelines, 2015. Collection method: clinical testing. Allele origin: germline. Observed: 9 variant alleles.
Comment: PP4, PP5, PM1, PM2_moderate, PS3, PS4_moderate

Clinical Genetics Laboratory, Skane University Hospital Lund
Classification: Pathogenic. Last evaluated: 2023-11-10. Review status: criteria provided, single submitter. Criteria: ACMG Guidelines, 2015. Collection method: clinical testing. Allele origin: germline. Affected: yes.

Laboratory of Molecular and Cytogenetics, Department of Anatomy, All India Institute of Medical Sciences (AIIMS)
Classification: Pathogenic for Multiple endocrine neoplasia type 2B. Last evaluated: 2023-05-21. Review status: criteria provided, single submitter. Criteria: ACMG Guidelines, 2015. Collection method: clinical testing. Allele origin: germline. Affected: yes. Observed: 2 variant alleles.

Duke University Health System Sequencing Clinic, Duke University Health System
Classification: Pathogenic for Multiple endocrine neoplasia type 2B. Last evaluated: 2023-04-20. Review status: criteria provided, single submitter. Criteria: ACMG Guidelines, 2015. Collection method: research. Allele origin: de novo. Affected: yes.

Myriad Genetics, Inc.
Classification: Pathogenic for Multiple endocrine neoplasia type 2B. Last evaluated: 2023-04-18. Review status: criteria provided, single submitter. Criteria: Myriad Autosomal Dominant, Autosomal Recessive and X-Linked Classification Criteria (2023). Collection method: clinical testing. Allele origin: unknown.
Comment: This variant is considered pathogenic. Functional studies indicate this variant impacts protein function [PMID: 16715139, 9242375, 21810974]. This variant has been reported in multiple individuals with clinical features of gene-specific disease [PMID: 7906417, 34629742, 29656518, 34881033, 25810047].

Genetics and Molecular Pathology, SA Pathology
Classification: Pathogenic for Familial medullary thyroid carcinoma. Last evaluated: 2022-12-23. Review status: criteria provided, single submitter. Criteria: ACMG Guidelines, 2015. Collection method: clinical testing. Allele origin: germline. Inheritance: Autosomal dominant inheritance. Affected: yes.